The following is an entry in ClinVar:

NM_015021.3(ZNF292):c.4115A>G (p.Asp1372Gly)

Gene: ZNF292 (zinc finger protein 292; plus strand). Cytogenetic location: 6q14.3.
Variant type: single nucleotide variant.
Coding change: c.4115A>G on transcript NM_015021.3 (MANE Select); coding-DNA position 4115, A replaced by G.
Protein change: p.Asp1372Gly; replaces aspartic acid 1372 with glycine.
Molecular consequence: missense variant.
Genome position (GRCh38, 1-based): chr6:87,257,744, A>G. VCF-style: chr6-87257744-A-G. GRCh37 (hg19) VCF-style: chr6-87967462-A-G.
Other names: c.3695A>G, p.Asp1232Gly (NM_001351444.2); short protein forms D1232G, D1372G.
Identifiers: ClinVar variation 2632355 (VCV002632355.1), dbSNP rs369254751, ClinGen allele CA142837335.
Genomic context (GRCh38, chr6:87,257,744, plus strand): 5'-ATGGGAAGGAAAGAAAACCTAAGCACAACAAAAGGGCTAAATGGCCTGCAATTATCAGAG[A>G]TGGGAAATTTATCTGTAGCAGGTGTTACAGGGCTTTTACTAATCCCAGATCACTGGGTGG-3'
Protein context (NP_055836.1, residues 1362-1382): KRAKWPAIIR[Asp1372Gly]GKFICSRCYR

ClinVar aggregate classification (germline): Uncertain significance (1 of 4 stars; one submission).

Conditions:
ZNF292-related disorder. Also called: ZNF292-related condition.

Allele frequency attached by ClinVar (database versions not stated): TOPMed below 0.00001; gnomAD 0.00001; ESP Exome Variant Server 0.00008.
gnomAD v4.1: 1 of 1,613,594 alleles (0.000062%); highest among the groups gnomAD compares: Non-Finnish European, 0.000085%; no homozygotes.

Submission:

PreventionGenetics, part of Exact Sciences
Classification: Uncertain significance for ZNF292-related condition. Last evaluated: 2023-06-05. Review status: criteria provided, single submitter. Criteria: ACMG Guidelines, 2015. Collection method: clinical testing. Allele origin: germline.
Comment: The ZNF292 c.4115A>G variant is predicted to result in the amino acid substitution p.Asp1372Gly. To our knowledge, this variant has not been reported in the literature or in a large population database, indicating this variant is rare. At this time, the clinical significance of this variant is uncertain due to the absence of conclusive functional and genetic evidence.